The following is an entry in ClinVar:

NM_001318852.2(MAPK8IP3):c.3864C>T (p.Gly1288=)

Gene: MAPK8IP3 (mitogen-activated protein kinase 8 interacting protein 3; plus strand). Cytogenetic location: 16p13.3.
Variant type: single nucleotide variant.
Coding change: c.3864C>T on transcript NM_001318852.2 (MANE Select); coding-DNA position 3864, C replaced by T.
Protein change: p.Gly1288=; no amino-acid change (glycine 1288 retained).
Molecular consequence: synonymous variant.
Genome position (GRCh38, 1-based): chr16:1,768,598, C>T. VCF-style: chr16-1768598-C-T. GRCh37 (hg19) VCF-style: chr16-1818599-C-T.
Other names: NC_000016.9:g.1818599C>T; c.3843C>T, p.Gly1281= (NM_001040439.2); c.3861C>T, p.Gly1287= (NM_015133.5, NM_033392.3).
Identifiers: ClinVar variation 3025728 (VCV003025728.23), dbSNP rs777245414, ClinGen allele CA7817879.

ClinVar aggregate classification (germline): Likely benign (1 of 4 stars; one submission).

Allele frequency attached by ClinVar (database versions not stated): gnomAD 0.00001; ExAC 0.00002; TOPMed 0.00002; gnomAD exomes 0.00004.
gnomAD v4.1: 55 of 1,589,136 alleles (0.0035%); highest among the groups gnomAD compares: East Asian, 0.0068%; no homozygotes.

Submissions (3):

CeGaT Center for Human Genetics Tuebingen
Classification: Likely benign. Last evaluated: 2024-01-01. Review status: criteria provided, single submitter. Criteria: CeGaT Center For Human Genetics Tuebingen Variant Classification Criteria Version 2. Collection method: clinical testing. Allele origin: germline. Affected: yes. Observed: 1 variant allele.
Comment: MAPK8IP3: BP4, BP7

Dr. Peter K. Rogan Lab, Western University
No classification provided (evidence only). Condition: Thyroid cancer, nonmedullary, 1. Review status: no classification provided. Collection method: in vitro. Allele origin: not applicable. Functional consequence: retained intron. Not counted in ClinVar's aggregate classification.

Dr. Peter K. Rogan Lab, Western University
No classification provided (evidence only). Condition: Gastric cancer. Review status: no classification provided. Collection method: in vitro. Allele origin: not applicable. Functional consequence: retained intron. Not counted in ClinVar's aggregate classification.